The following is an entry in ClinVar:

ClinVar aggregate classification (germline): Likely benign (0 of 4 stars; one submission).

Conditions:
RAB11FIP5-related disorder. Also called: RAB11FIP5-related condition.

Allele frequency attached by ClinVar (database versions not stated): gnomAD exomes 0.00007; ExAC 0.00024; gnomAD 0.00051; TOPMed 0.00061; 1000 Genomes Project 30x 0.00062; 1000 Genomes Project 0.00080; ESP Exome Variant Server 0.00100.
gnomAD v4.1: 176 of 1,614,036 alleles (0.011%); highest among the groups gnomAD compares: African/African-American, 0.22%; 1 homozygote.

Submission:

PreventionGenetics, part of Exact Sciences
Classification: Likely benign for RAB11FIP5-related condition. Last evaluated: 2019-10-04. Review status: no assertion criteria provided. Collection method: clinical testing. Allele origin: germline.
Comment: This variant is classified as likely benign based on ACMG/AMP sequence variant interpretation guidelines (Richards et al. 2015 PMID: 25741868, with internal and published modifications).

NM_001371272.1(RAB11FIP5):c.3966C>T (p.Pro1322=)

Gene: RAB11FIP5 (RAB11 family interacting protein 5; minus strand). Cytogenetic location: 2p13.2.
Variant type: single nucleotide variant.
Coding change: c.3966C>T on transcript NM_001371272.1 (MANE Select); coding-DNA position 3966, C replaced by T.
Protein change: p.Pro1322=; no amino-acid change (proline 1322 retained).
Molecular consequence: synonymous variant.
Genome position (GRCh38, 1-based): chr2:73,075,530, G>A on the plus strand (C>T on the coding strand, the complement: RAB11FIP5 is on the minus strand). VCF-style: chr2-73075530-G-A. GRCh37 (hg19) VCF-style: chr2-73302658-G-A.
Other names: c.1953C>T, p.Pro651= (NM_015470.3).
Identifiers: ClinVar variation 3045842 (VCV003045842.2), dbSNP rs138778775, ClinGen allele CA1709862.